The following is an entry in ClinVar:

NM_018139.3(DNAAF2):c.727G>T (p.Glu243Ter)

Gene: DNAAF2 (dynein axonemal assembly factor 2; minus strand). Cytogenetic location: 14q21.3.
Variant type: single nucleotide variant.
Coding change: c.727G>T on transcript NM_018139.3 (MANE Select); coding-DNA position 727, G replaced by T.
Protein change: p.Glu243Ter; replaces glutamic acid 243 with a stop codon.
Molecular consequence: nonsense.
Genome position (GRCh38, 1-based): chr14:49,634,423, C>A on the plus strand (G>T on the coding strand, the complement: DNAAF2 is on the minus strand). VCF-style: chr14-49634423-C-A. GRCh37 (hg19) VCF-style: chr14-50101141-C-A.
Other names: c.727G>T, p.Glu243Ter (NM_001083908.2); short protein forms E243*.
Identifiers: ClinVar variation 179361 (VCV000179361.6), dbSNP rs727504815, ClinGen allele CA273617.
Genomic context (GRCh38, chr14:49,634,423, plus strand): 5'-CGTGGTGGCGCTGCACCACGCTGTAGCGAGGCTCGGTGGGGGCGGGCTGCAAGGCCGCTT[C>A]CGGAGGGGAGGGCGCCCGGGGCCCGGGGGCTGCCGGGTACTGGTAAGGGTAGGGGAAGTC-3'

ClinVar aggregate classification (germline): Likely pathogenic. Review status: criteria provided, multiple submitters, no conflicts (2 of 4 stars). 3 submissions from 3 submitters: Likely pathogenic (3). Last evaluated 2026-02-05.

Conditions:
DNAAF2-related disorder. Also called: DNAAF2-related condition.
Primary ciliary dyskinesia. Also called: Ciliary dyskinesia. Identifiers: Orphanet 244, MedGen C0008780, MONDO:0016575, HP:0012265.
Primary ciliary dyskinesia 10. Also called: CILIARY DYSKINESIA, PRIMARY, 10, WITH OR WITHOUT SITUS INVERSUS. Identifiers: Orphanet 244, MedGen C2675867, MONDO:0012918, OMIM 612518.

Allele frequency attached by ClinVar (database versions not stated): gnomAD exomes below 0.00001.
gnomAD v4.1: 2 of 1,568,886 alleles (0.00013%); highest among the groups gnomAD compares: Non-Finnish European, 0.00017%; no homozygotes.

Submissions (3):

Clinical Genetics and Genomics, Karolinska University Hospital
Classification: Likely pathogenic for Primary ciliary dyskinesia 10. Last evaluated: 2026-02-05. Review status: criteria provided, single submitter. Criteria: ACMG Guidelines, 2015. Collection method: clinical testing. Allele origin: germline. Inheritance: Autosomal recessive inheritance. Affected: yes.

Blueprint Genetics
Classification: Likely pathogenic for DNAAF2-related disorders. Last evaluated: 2019-08-23. Review status: criteria provided, single submitter. Criteria: ACMG Guidelines, 2015. Collection method: clinical testing. Allele origin: germline. Affected: yes. Observed: 1 variant allele.

Laboratory for Molecular Medicine, Mass General Brigham Personalized Medicine
Classification: Likely pathogenic for Primary ciliary dyskinesia. Last evaluated: 2014-01-14. Review status: criteria provided, single submitter. Criteria: LMM Criteria. Collection method: clinical testing. Allele origin: germline. Inheritance: Autosomal recessive inheritance. Observed: 3 variant alleles.
Comment: In addition, this variant is absent from large population studies. Th is nonsense variant leads to a premature termination codon at position 243, whic h is predicted to lead to a truncated or absent protein. Absence of the DNAAF2 p rotein leads to a loss of ciliary motility and homozygous truncating variants in DNAAF2 (KTU) have been previously reported in two probands and one affected sib ling with primary ciliary dyskinesia (PCD) and left-right body asymmetry (Omran 2008). In summary, the Glu243X variant is likely to be pathogenic, but additiona l studies are needed to fully assess its clinical significance.

Literature cited by the submitters: PubMed 19052621 (cited by Laboratory for Molecular Medicine, Mass General Brigham Personalized Medicine).